The following is an entry in ClinVar:

NM_000152.5(GAA):c.1568C>G (p.Ser523Cys)

Gene: GAA (alpha glucosidase; plus strand). Cytogenetic location: 17q25.3.
Variant type: single nucleotide variant.
Coding change: c.1568C>G on transcript NM_000152.5 (MANE Select); coding-DNA position 1568, C replaced by G.
Protein change: p.Ser523Cys; replaces serine 523 with cysteine.
Molecular consequence: missense variant.
Genome position (GRCh38, 1-based): chr17:80,110,957, C>G. VCF-style: chr17-80110957-C-G. GRCh37 (hg19) VCF-style: chr17-78084756-C-G.
Other names: c.1568C>G, p.Ser523Cys (NM_001079803.3, NM_001079804.3); short protein forms S523C.
Identifiers: ClinVar variation 853765 (VCV000853765.9), dbSNP rs2039222579, ClinGen allele CA401367217.

ClinVar aggregate classification (germline): Uncertain significance. Review status: criteria provided, multiple submitters, no conflicts (2 of 4 stars). 2 submissions from 2 submitters: Uncertain significance (2). Last evaluated 2021-08-27.

Conditions:
Glycogen storage disease, type II (IOPD). Also called: Glycogen storage disease type 2; Acid maltase deficiency disease; Aglucosidase alfa; Deficiency of alpha-glucosidase; Deficiency of lysosomal alpha-glucosidase; Pompe Disease. Identifiers: Orphanet 365, MedGen C0017921, MONDO:0009290, OMIM 232300.

Allele frequency attached by ClinVar (database versions not stated): TOPMed 0.00001.

Submissions (2):

Labcorp Genetics (formerly Invitae), Labcorp
Classification: Uncertain significance for Glycogen storage disease, type II. Last evaluated: 2021-08-27. Review status: criteria provided, single submitter. Criteria: Invitae Variant Classification Sherloc (09022015). Collection method: clinical testing. Allele origin: germline.
Comment: This sequence change replaces serine with cysteine at codon 523 of the GAA protein (p.Ser523Cys). The serine residue is highly conserved and there is a moderate physicochemical difference between serine and cysteine. This variant is not present in population databases (ExAC no frequency). This variant has not been reported in the literature in individuals affected with GAA-related conditions. Algorithms developed to predict the effect of missense changes on protein structure and function are either unavailable or do not agree on the potential impact of this missense change (SIFT: "Deleterious"; PolyPhen-2: "Probably Damaging"; Align-GVGD: "Class C15"). In summary, the available evidence is currently insufficient to determine the role of this variant in disease. Therefore, it has been classified as a Variant of Uncertain Significance.

Revvity Omics, Revvity
Classification: Uncertain significance. Last evaluated: 2020-03-02. Review status: criteria provided, single submitter. Criteria: ACMG Guidelines, 2015. Collection method: clinical testing. Allele origin: germline.